The following is an entry in ClinVar:

NM_001329943.3(KIAA0586):c.479A>G (p.Asp160Gly)

Gene: KIAA0586 (KIAA0586; plus strand). Cytogenetic location: 14q23.1.
Variant type: single nucleotide variant.
Coding change: c.479A>G on transcript NM_001329943.3 (MANE Select); coding-DNA position 479, A replaced by G.
Protein change: p.Asp160Gly; replaces aspartic acid 160 with glycine.
Molecular consequence: missense variant.
Genome position (GRCh38, 1-based): chr14:58,442,774, A>G. VCF-style: chr14-58442774-A-G. GRCh37 (hg19) VCF-style: chr14-58909492-A-G.
Other names: c.638A>G, p.Asp213Gly (NM_001244189.2); c.434A>G, p.Asp145Gly (NM_001244190.2); c.224A>G, p.Asp75Gly (NM_001244191.2, NM_001329945.2, NM_001364700.1 and 1 more transcripts); c.347A>G, p.Asp116Gly (NM_001244192.2); c.59A>G, p.Asp20Gly (NM_001244193.2); c.479A>G, p.Asp160Gly (NM_001329944.2, NM_001329946.2, NM_001329947.2 and 1 more transcripts); short protein forms D145G, D20G, D116G, D213G, D160G, D75G.
Identifiers: ClinVar variation 2949376 (VCV002949376.3), dbSNP rs865905035, ClinGen allele CA261611653.

ClinVar aggregate classification (germline): Uncertain significance (1 of 4 stars; one submission).

Conditions:
Short-rib thoracic dysplasia 14 with polydactyly (SRTD14). Identifiers: Orphanet 397715, MedGen C4225286, MONDO:0014688, OMIM 616546.
Joubert syndrome 23 (JBTS23). Identifiers: Orphanet 475, MedGen C4084822, MONDO:0014664, OMIM 616490.

Allele frequency attached by ClinVar (database versions not stated): gnomAD exomes below 0.00001; TOPMed 0.00001.
gnomAD v4.1: 4 of 1,601,302 alleles (0.00025%); highest among the groups gnomAD compares: African/African-American, 0.0013%; no homozygotes.

Submission:

Labcorp Genetics (formerly Invitae), Labcorp
Classification: Uncertain significance for Joubert syndrome 23; Short-rib thoracic dysplasia 14 with polydactyly. Last evaluated: 2024-03-22. Review status: criteria provided, single submitter. Criteria: Invitae Variant Classification Sherloc (09022015). Collection method: clinical testing. Allele origin: germline.
Comment: This sequence change replaces aspartic acid, which is acidic and polar, with glycine, which is neutral and non-polar, at codon 213 of the KIAA0586 protein (p.Asp213Gly). This variant is not present in population databases (gnomAD no frequency). This variant has not been reported in the literature in individuals affected with KIAA0586-related conditions. Advanced modeling of protein sequence and biophysical properties (such as structural, functional, and spatial information, amino acid conservation, physicochemical variation, residue mobility, and thermodynamic stability) performed at Invitae indicates that this missense variant is not expected to disrupt KIAA0586 protein function with a negative predictive value of 80%. In summary, the available evidence is currently insufficient to determine the role of this variant in disease. Therefore, it has been classified as a Variant of Uncertain Significance.